The following continues an entry in ClinVar:

NM_024514.5(CYP2R1):c.296T>C (p.Leu99Pro)

ClinVar aggregate classification (germline): Pathogenic/Likely pathogenic. Pathogenic (8); Likely pathogenic (6).

Submissions 11 to 15 of 15:

Laboratorio de Genetica e Diagnostico Molecular, Hospital Israelita Albert Einstein
Classification: Likely pathogenic for Vitamin D hydroxylation-deficient rickets, type 1B. Last evaluated: 2023-11-14. Review status: criteria provided, single submitter. Criteria: ACMG Guidelines, 2015. Collection method: clinical testing. Allele origin: germline. Affected: yes.
Comment: ACMG classification criteria: PS3 supporting, PM3 moderate, PP1 moderate, PP3 supporting

Department of Pathology and Laboratory Medicine, Sinai Health System
Classification: Pathogenic for Vitamin D hydroxylation-deficient rickets, type 1B. Last evaluated: 2023-02-27. Review status: criteria provided, single submitter. Criteria: ACMG Guidelines, 2015. Collection method: research. Allele origin: germline.

Women's Health and Genetics/Laboratory Corporation of America, LabCorp
Classification: Pathogenic for Vitamin D hydroxylation-deficient rickets, type 1B. Last evaluated: 2023-01-13. Review status: criteria provided, single submitter. Criteria: LabCorp Variant Classification Summary - May 2015. Collection method: clinical testing. Allele origin: germline.
Comment: Variant summary: CYP2R1 c.296T>C (p.Leu99Pro) results in a non-conservative amino acid change in the encoded protein sequence. Five of five in-silico tools predict a damaging effect of the variant on protein function. The variant allele was found at a frequency of 0.00024 in 251224 control chromosomes, predominantly at a frequency of 0.0034 within the African or African-American subpopulation in the gnomAD database. c.296T>C has been reported in the literature in multiple individuals affected with Vitamin D Hydroxylation-Deficient Rickets, Type 1B and has been shown to segregate in multiple families (Cheng_2004, Thacher_2015, Molin_2017). These data indicate that the variant is very likely to be associated with disease. In vitro studies have shown the variant to abolish enzyme activity (Cheng_2004, Thacher_2015, Molin_2017). Three clinical diagnostic laboratories have submitted clinical-significance assessments for this variant to ClinVar after 2014 without evidence for independent evaluation. All laboratories classified the variant as pathogenic/likely pathogenic. Based on the evidence outlined above, the variant was classified as pathogenic.

Baylor Genetics
Classification: Likely pathogenic for Vitamin D hydroxylation-deficient rickets, type 1B. Last evaluated: 2021-04-09. Review status: criteria provided, single submitter. Criteria: ACMG Guidelines, 2015. Collection method: clinical testing. Allele origin: unknown.

OMIM
Classification: Pathogenic for VITAMIN D HYDROXYLATION-DEFICIENT RICKETS, TYPE 1B. Last evaluated: 2004-05-18. Review status: no assertion criteria provided. Collection method: literature only. Allele origin: germline. Not counted in ClinVar's aggregate classification.

Literature cited by the submitters: PubMed 15128933 (cited by 5 submitters); PubMed 25942481 (cited by 5 submitters); PubMed 28548312 (cited by 4 submitters); PubMed 16549493 (cited by Laboratory for Molecular Medicine, Mass General Brigham Personalized Medicine); PubMed 32115644 (cited by Laboratory for Molecular Medicine, Mass General Brigham Personalized Medicine); PubMed 8201479 (cited by OMIM); PubMed 10969262 (cited by OMIM).